The following is an entry in ClinVar:

ClinVar aggregate classification (germline): Uncertain significance (1 of 4 stars; one submission).

Submission:

Ambry Genetics
Classification: Uncertain significance. Last evaluated: 2024-10-21. Review status: criteria provided, single submitter. Criteria: Ambry Variant Classification Scheme 2023. Collection method: clinical testing. Allele origin: germline.
Comment: The p.G88D variant (also known as c.263G>A), located in coding exon 2 of the SLMAP gene, results from a G to A substitution at nucleotide position 263. The glycine at codon 88 is replaced by aspartic acid, an amino acid with similar properties. This amino acid position is conserved. In addition, the in silico prediction for this alteration is inconclusive. Based on the available evidence, the clinical significance of this variant remains unclear.

NM_001377540.1(SLMAP):c.263G>A (p.Gly88Asp)

Gene: SLMAP (sarcolemma associated protein; plus strand). Cytogenetic location: 3p14.3.
Variant type: single nucleotide variant.
Coding change: c.263G>A on transcript NM_001377540.1 (MANE Select); coding-DNA position 263, G replaced by A.
Protein change: p.Gly88Asp; replaces glycine 88 with aspartic acid.
Molecular consequence: missense variant. On other transcripts: non-coding transcript variant (1).
Genome position (GRCh38, 1-based): chr3:57,831,447, G>A. VCF-style: chr3-57831447-G-A. GRCh37 (hg19) VCF-style: chr3-57817174-G-A.
Other names: c.263G>A, p.Gly88Asp (NM_001304420.3, NM_001304421.2, NM_001377538.1 and 17 more transcripts); short protein forms G88D.
Identifiers: ClinVar variation 3445713 (VCV003445713.1).